The following is an entry in ClinVar:

ClinVar aggregate classification (germline): Likely pathogenic. Review status: reviewed by expert panel (3 of 4 stars). 8 submissions from 8 submitters: Likely pathogenic (1). 7 of the submissions do not count toward it. Last evaluated 2026-04-29.

Conditions:
Autosomal recessive limb-girdle muscular dystrophy. Identifiers: Orphanet 102015, MedGen C2931907, MONDO:0015152.
Autosomal recessive limb-girdle muscular dystrophy type 2A (LGMDR1). Also called: Calpainopathy; Muscular dystrophy, limb-girdle, type 2A, Amish; Limb-girdle muscular dystrophy, type 2A; LEYDEN-MOEBIUS MUSCULAR DYSTROPHY; MUSCULAR DYSTROPHY, PELVOFEMORAL. Identifiers: Orphanet 267, MedGen C1869123, MONDO:0009675, OMIM 253600. Disease mechanism: loss of function.
CAPN3-related disorder. Also called: CAPN3-related disorders; CAPN3-related condition. Identifiers: MedGen CN239245.

Allele frequency attached by ClinVar (database versions not stated): gnomAD exomes below 0.00001.
gnomAD v4.1: 2 of 1,609,668 alleles (0.00012%); highest among the groups gnomAD compares: Non-Finnish European, 0.00017%; no homozygotes.

Submissions (8):

ClinGen Limb Girdle Muscular Dystrophy Variant Curation Expert Panel, ClinGen
Classification: Likely pathogenic for Autosomal recessive limb-girdle muscular dystrophy. Last evaluated: 2026-04-29. Review status: reviewed by expert panel. Criteria: ClinGen LGMD VCEP ACMG Specifications CAPN3 V2.0.0. Collection method: curation. Allele origin: germline. Inheritance: Autosomal recessive inheritance.
Comment: The NM_000070.3: c.1327T>C variant in CAPN3 is a missense variant predicted to cause substitution of serine with proline at amino acid position 443, p.(Ser443Pro). This variant has been detected in at least six unrelated individuals with LGMD, where it was identified in unconfirmed phase with two unique pathogenic variants (c.1505T>C p.(Thr501Ile), 0.5 pts x3, PMID: 35135626, 26810512, 39258114; c.1746-20C>G, 0.5 pts x3, GRASP-LGMD Consortium, ClinVar SCV000960844.6 internal data communication) (PM3_Strong). At least one patient with this variant and a second CAPN3 variant displayed progressive limb girdle muscle weakness and significantly reduced calpain-3 protein expression, which is specific for CAPN3-related LGMD (PMID: 35135626, 26810512; PP4_Moderate). The Grpmax variant allele frequency in gnomAD v.4.1.1 is 0.000001698 in the European (non-Finnish) population (2/1177684 chromosomes) (PM2_Supporting). The computational predictor REVEL gives a score of 0.896, which is above the LGMD VCEP threshold of ≥0.70, evidence that correlates with impact to CAPN3 function (PP3). In summary, this variant meets the criteria to be classified as Likely Pathogenic for autosomal recessive limb girdle muscular dystrophy based on the ACMG/AMP criteria applied, as specified by the ClinGen LGMD VCEP (specifications v2.0.0; 04/29/2026): PM3_Strong, PP4_Moderate, PM2_Supporting, PP3.

Labcorp Genetics (formerly Invitae), Labcorp
Classification: Pathogenic for Autosomal recessive limb-girdle muscular dystrophy type 2A. Last evaluated: 2026-02-01. Review status: criteria provided, single submitter. Criteria: Invitae Variant Classification Sherloc (09022015). Collection method: clinical testing. Allele origin: germline. Not counted in ClinVar's aggregate classification.
Comment: This sequence change replaces serine, which is neutral and polar, with proline, which is neutral and non-polar, at codon 443 of the CAPN3 protein (p.Ser443Pro). This variant is not present in population databases (gnomAD no frequency). This missense change has been observed in individuals with autosomal dominant limb-girdle muscular dystrophy (PMID: 32896923; internal data). It has also been observed to segregate with disease in related individuals. This variant has been reported in individual(s) with autosomal recessive limb-girdle muscular dystrophy (PMID: 26810512); however, the role of the variant in this condition is currently unclear. ClinVar contains an entry for this variant (Variation ID: 662490). Invitae Evidence Modeling of protein sequence and biophysical properties (such as structural, functional, and spatial information, amino acid conservation, physicochemical variation, residue mobility, and thermodynamic stability) indicates that this missense variant is expected to disrupt CAPN3 protein function with a positive predictive value of 80%. For these reasons, this variant has been classified as Pathogenic.

Broad Center for Mendelian Genomics, Broad Institute of MIT and Harvard
Classification: Likely pathogenic for Autosomal recessive limb-girdle muscular dystrophy. Last evaluated: 2026-01-14. Review status: criteria provided, single submitter. Criteria: ACMG Guidelines, 2015. Collection method: research. Allele origin: germline. Inheritance: Autosomal recessive inheritance. Affected: yes. Not counted in ClinVar's aggregate classification.
Comment: The p.Ser443Pro variant in CAPN3 has been reported in the compound heterozygous state in one adult with limb girdle muscular dystrophy (Lahoria 2016 PMID: 26810512) and in the heterozygous state in four affected members of one family with high CK (González Mera2021 PMID 32896923). This variant has been identified in 0.0002% (2/1177684) of European (non-Finnish) chromosomes by the Genome Aggregation Database (gnomAD; dbSNP rs1595834751). Although this variant has been seen in the general population in a heterozygous state, its frequency is low enough to be consistent with a recessive carrier frequency. It has also been reported in ClinVar (Variation ID: 662490). Computational prediction tools and conservation analyses suggest that this variant may impact the protein, though this information is not predictive enough to determine pathogenicity. In vitro functional studies provide some evidence that this variant impacts protein function (Lahoria 2016 PMID: 26810512); however, these types of assays may not accurately represent biological function. In summary, although additional studies are required to fully establish its clinical significance, this variant is likely pathogenic for autosomal recessive limb girdle muscular dystrophy. ACMG/AMPCriteria applied: PS3_Supporting, PM2_Supporting, PP3_moderate, PM3.

Natera, Inc.
Classification: Likely pathogenic for Limb-girdle muscular dystrophy type 2A. Last evaluated: 2025-08-12. Review status: criteria provided, single submitter. Criteria: Natera Variant Classification Schema (03/2026). Collection method: clinical testing. Allele origin: germline. Not counted in ClinVar's aggregate classification.
Comment: The c.1327T>C variant in CAPN3 is a missense variant predicted to cause substitution of serine to proline at amino acid 443. This variant is rare in the general population with a frequency below the threshold expected for the associated phenotype(s). This variant has been observed in one or more individuals affected with the associated recessive disease, as either homozygous or compound heterozygous with a second variant (PMID: 35135626). This variant has been observed in affected individual(s) with monoallelic occurrence (heterozygous/hemizygous) (PMID: 32896923). Computational prediction algorithms indicate this variant is likely to affect gene or protein function. Given the available evidence, this variant is classified as Likely Pathogenic.

Athena Diagnostics
Classification: Pathogenic. Last evaluated: 2025-08-11. Review status: criteria provided, single submitter. Criteria: Athena Diagnostics Criteria. Collection method: clinical testing. Allele origin: unknown. Not counted in ClinVar's aggregate classification.
Comment: This variant has not been reported in large, multi-ethnic general populations. This variant has been identified in multiple unrelated individuals with clinical features associated with autosomal recessive limb-girdle muscular dystrophy (LGMD). This variant has also been seen in families with autosomal dominant LGMD. This variant segregates with disease in multiple families. Polyphen and MutationTaster predict this amino acid change may be damaging to the protein.

Revvity Omics, Revvity
Classification: Uncertain significance. Last evaluated: 2025-06-30. Review status: criteria provided, single submitter. Criteria: ACMG Guidelines, 2015. Collection method: clinical testing. Allele origin: germline. Not counted in ClinVar's aggregate classification.

Blueprint Genetics
Classification: Uncertain significance. Last evaluated: 2023-07-07. Review status: criteria provided, single submitter. Criteria: ACMG Guidelines, 2015. Collection method: clinical testing. Allele origin: germline. Not counted in ClinVar's aggregate classification.

PreventionGenetics, part of Exact Sciences
Classification: Uncertain significance for CAPN3-related condition. Last evaluated: 2024-01-05. Review status: no assertion criteria provided. Collection method: clinical testing. Allele origin: germline. Not counted in ClinVar's aggregate classification.
Comment: The CAPN3 c.1327T>C variant is predicted to result in the amino acid substitution p.Ser443Pro. This variant was reported to segregate in four family members with autosomal dominant limb girdle muscular dystrophy (Family 6, Gonzalez-Mera et al. 2020. PubMed ID: 32896923) and in a patient with rhabdomyolysis and muscular dystrophy (Patient 5, Lahoria et al 2016. PubMed ID: 26810512). The patient reported in Lahoria et al. also had a second variant in CAPN3; however, phase was not noted. This variant has not been reported in a large population database, indicating this variant is rare. Of note, another variant impacting the same amino acid residue (p.Ser443Phe) has also been reported in patients with limb-gridle muscular dystrophy (Patient 6, Luo et al. 2012. PubMed ID: 22926650). Although we suspect that the c.1327T>C (p.Ser443Pro) variant may be pathogenic, at this time, the clinical significance of this variant is uncertain due to the absence of conclusive functional and genetic evidence.

Literature cited by the submitters: PubMed 32896923 (cited by 3 submitters); PubMed 26810512 (cited by 3 submitters); PubMed 35135626 (cited by Natera, Inc. and Athena Diagnostics); PubMed 38544359 (cited by Athena Diagnostics).

NM_000070.3(CAPN3):c.1327T>C (p.Ser443Pro)

Gene: CAPN3 (calpain 3; plus strand). Cytogenetic location: 15q15.1.
Variant type: single nucleotide variant.
Coding change: c.1327T>C on transcript NM_000070.3 (MANE Select); coding-DNA position 1327, T replaced by C.
Protein change: p.Ser443Pro; replaces serine 443 with proline.
Molecular consequence: missense variant.
Genome position (GRCh38, 1-based): chr15:42,399,625, T>C. VCF-style: chr15-42399625-T-C. GRCh37 (hg19) VCF-style: chr15-42691823-T-C.
Other names: NM_000070.3(CAPN3):c.1327T>C; p.Ser443Pro; c.1327T>C, p.Ser443Pro (NM_024344.2); c.1183T>C, p.Ser395Pro (NM_173087.2); short protein forms S395P, S443P.
Identifiers: ClinVar variation 662490 (VCV000662490.24), dbSNP rs1595834751, ClinGen allele CA391999594.